The following is an entry in ClinVar:

ClinVar aggregate classification (germline): Uncertain significance. Review status: criteria provided, multiple submitters, no conflicts (2 of 4 stars). 4 submissions from 4 submitters: Uncertain significance (4). Last evaluated 2025-11-07.

Conditions:
Primary ciliary dyskinesia. Also called: Ciliary dyskinesia. Identifiers: Orphanet 244, MedGen C0008780, MONDO:0016575, HP:0012265.

Allele frequency attached by ClinVar (database versions not stated): ESP Exome Variant Server 0.00008; 1000 Genomes Project 0.00020; ExAC 0.00002; 1000 Genomes Project 30x 0.00031.
gnomAD v4.1: 14 of 1,613,808 alleles (0.00087%); highest among the groups gnomAD compares: South Asian, 0.0044%; no homozygotes.

Submissions (4):

Ambry Genetics
Classification: Uncertain significance for Primary ciliary dyskinesia. Last evaluated: 2025-11-07. Review status: criteria provided, single submitter. Criteria: Ambry Variant Classification Scheme 2023. Collection method: clinical testing. Allele origin: germline.

Molecular Genetics McLendon Clinical Laboratories, University of North Carolina at Chapel Hill
Classification: Uncertain significance for Primary ciliary dyskinesia. Last evaluated: 2024-11-14. Review status: criteria provided, single submitter. Criteria: ACMG Guidelines, 2015. Collection method: clinical testing. Allele origin: germline.

Blueprint Genetics
Classification: Uncertain significance. Last evaluated: 2024-08-17. Review status: criteria provided, single submitter. Criteria: ACMG Guidelines, 2015. Collection method: clinical testing. Allele origin: germline.

Labcorp Genetics (formerly Invitae), Labcorp
Classification: Uncertain significance for Primary ciliary dyskinesia. Last evaluated: 2022-08-16. Review status: criteria provided, single submitter. Criteria: Invitae Variant Classification Sherloc (09022015). Collection method: clinical testing. Allele origin: germline.
Comment: This sequence change replaces threonine, which is neutral and polar, with methionine, which is neutral and non-polar, at codon 608 of the DNAAF5 protein (p.Thr608Met). This variant is present in population databases (rs201903719, gnomAD 0.01%). This variant has not been reported in the literature in individuals affected with DNAAF5-related conditions. Algorithms developed to predict the effect of missense changes on protein structure and function (SIFT, PolyPhen-2, Align-GVGD) all suggest that this variant is likely to be tolerated. In summary, the available evidence is currently insufficient to determine the role of this variant in disease. Therefore, it has been classified as a Variant of Uncertain Significance.

NM_017802.4(DNAAF5):c.1823C>T (p.Thr608Met)

Gene: DNAAF5 (dynein axonemal assembly factor 5; plus strand). Cytogenetic location: 7p22.3.
Variant type: single nucleotide variant.
Coding change: c.1823C>T on transcript NM_017802.4 (MANE Select); coding-DNA position 1823, C replaced by T.
Protein change: p.Thr608Met; replaces threonine 608 with methionine.
Molecular consequence: missense variant. On other transcripts: non-coding transcript variant (1).
Genome position (GRCh38, 1-based): chr7:770,510, C>T. VCF-style: chr7-770510-C-T. GRCh37 (hg19) VCF-style: chr7-810147-C-T.
Other names: short protein forms T608M.
Identifiers: ClinVar variation 1780793 (VCV001780793.6), dbSNP rs201903719, ClinGen allele CA4110945.